The following is an entry in ClinVar:

ClinVar aggregate classification (germline): Uncertain significance (1 of 4 stars; one submission).

Conditions:
AHDC1-related intellectual disability - obstructive sleep apnea - mild dysmorphism syndrome. Also called: Xia-Gibbs syndrome. Identifiers: Orphanet 412069, MedGen C4014419, MONDO:0014358, OMIM 615829.

Submission:

Institute of Human Genetics, University of Leipzig Medical Center
Classification: Uncertain significance for AHDC1-related intellectual disability - obstructive sleep apnea - mild dysmorphism syndrome. Last evaluated: 2023-01-13. Review status: criteria provided, single submitter. Criteria: ACMG Guidelines, 2015. Collection method: clinical testing. Allele origin: unknown. Affected: yes.
Comment: _x000D_ Criteria applied: PVS1_STR, PM2_SUP

NM_001371928.1(AHDC1):c.2587G>T (p.Glu863Ter)

Gene: AHDC1 (AT-hook DNA binding motif containing 1; minus strand). Cytogenetic location: 1p36.11.
Variant type: single nucleotide variant.
Coding change: c.2587G>T on transcript NM_001371928.1 (MANE Select); coding-DNA position 2587, G replaced by T.
Protein change: p.Glu863Ter; replaces glutamic acid 863 with a stop codon.
Molecular consequence: nonsense.
Genome position (GRCh38, 1-based): chr1:27,549,529, C>A on the plus strand (G>T on the coding strand, the complement: AHDC1 is on the minus strand). VCF-style: chr1-27549529-C-A. GRCh37 (hg19) VCF-style: chr1-27876040-C-A.
Other names: c.2587G>T, p.Glu863Ter (NM_001029882.3); short protein forms E863*.
Identifiers: ClinVar variation 2430266 (VCV002430266.1), dbSNP rs2521928858, ClinGen allele CA339230208.